The following is an entry in ClinVar:

NM_015450.3(POT1):c.1790T>C (p.Ile597Thr)

Gene: POT1 (protection of telomeres 1; minus strand). Cytogenetic location: 7q31.33.
Variant type: single nucleotide variant.
Coding change: c.1790T>C on transcript NM_015450.3 (MANE Select); coding-DNA position 1790, T replaced by C.
Protein change: p.Ile597Thr; replaces isoleucine 597 with threonine.
Molecular consequence: missense variant. On other transcripts: non-coding transcript variant (3).
Genome position (GRCh38, 1-based): chr7:124,825,254, A>G on the plus strand (T>C on the coding strand, the complement: POT1 is on the minus strand). VCF-style: chr7-124825254-A-G. GRCh37 (hg19) VCF-style: chr7-124465308-A-G.
Other names: c.1397T>C, p.Ile466Thr (NM_001042594.2); short protein forms I466T, I597T.
Identifiers: ClinVar variation 4673018 (VCV004673018.1).
Genomic context (GRCh38, chr7:124,825,254, plus strand): 5'-TATGTTAGTGCTATCTCAAGTAAAAGAAGTGTGGGATTGTTAAAATATTCTTGCCTACCA[A>G]TTTTTATTCCTGGAGGACAAAACATATCCATGATCATATCCACACTTTTCTGAAGGTCAT-3'
Protein context (NP_056265.2, residues 587-607): MDMFCPPGIK[Ile597Thr]DAYPWLECFI

ClinVar aggregate classification (germline): Uncertain significance (1 of 4 stars; one submission).

Conditions:
Hereditary cancer-predisposing syndrome. Also called: Neoplastic Syndromes, Hereditary; Tumor predisposition; Hereditary Cancer Syndrome; Hereditary neoplastic syndrome. Identifiers: Orphanet 140162, MedGen C0027672, MeSH D009386, MONDO:0015356.

Submission:

Ambry Genetics
Classification: Uncertain significance for Hereditary cancer-predisposing syndrome. Last evaluated: 2025-10-01. Review status: criteria provided, single submitter. Criteria: Ambry Variant Classification Scheme 2023. Collection method: clinical testing. Allele origin: germline.
Comment: The p.I597T variant (also known as c.1790T>C), located in coding exon 14 of the POT1 gene, results from a T to C substitution at nucleotide position 1790. The isoleucine at codon 597 is replaced by threonine, an amino acid with similar properties. This amino acid position is conserved. In addition, this alteration is predicted to be tolerated by in silico analysis. Based on the available evidence, the clinical significance of this variant remains unclear.